The following is an entry in ClinVar:

ClinVar aggregate classification (germline): Uncertain significance. Review status: criteria provided, multiple submitters, no conflicts (2 of 4 stars). 2 submissions from 2 submitters: Uncertain significance (2). Last evaluated 2026-07-06.

Conditions:
Hereditary cancer-predisposing syndrome. Also called: Hereditary Cancer Syndrome; Hereditary neoplastic syndrome; Neoplastic Syndromes, Hereditary; Tumor predisposition. Identifiers: Orphanet 140162, MedGen C0027672, MeSH D009386, MONDO:0015356.

Submissions (2):

Ambry Genetics
Classification: Uncertain significance for Hereditary cancer-predisposing syndrome. Last evaluated: 2026-07-06. Review status: criteria provided, single submitter. Criteria: Ambry Variant Classification Scheme 2023. Collection method: clinical testing. Allele origin: germline.
Comment: The p.I1283M variant (also known as c.3849T>G), located in coding exon 9 of the MSH6 gene, results from a T to G substitution at nucleotide position 3849. The isoleucine at codon 1283 is replaced by methionine, an amino acid with highly similar properties. This amino acid position is conserved. In addition, this alteration is predicted to be deleterious by in silico analysis. Based on the available evidence, the clinical significance of this variant remains unclear.

GeneDx
Classification: Uncertain significance. Last evaluated: 2022-06-09. Review status: criteria provided, single submitter. Criteria: GeneDx Variant Classification Process June 2021. Collection method: clinical testing. Allele origin: germline. Affected: yes.
Comment: Not observed at significant frequency in large population cohorts (gnomAD); In silico analysis supports that this missense variant does not alter protein structure/function; Has not been previously published as pathogenic or benign to our knowledge; This variant is associated with the following publications: (PMID: 17531815, 21120944)

NM_000179.3(MSH6):c.3849T>G (p.Ile1283Met)

Gene: MSH6 (mutS homolog 6; plus strand). Cytogenetic location: 2p16.3.
Variant type: single nucleotide variant.
Coding change: c.3849T>G on transcript NM_000179.3 (MANE Select); coding-DNA position 3849, T replaced by G.
Protein change: p.Ile1283Met; replaces isoleucine 1283 with methionine.
Molecular consequence: missense variant. On other transcripts: nonsense (1).
Genome position (GRCh38, 1-based): chr2:47,806,499, T>G. VCF-style: chr2-47806499-T-G. GRCh37 (hg19) VCF-style: chr2-48033638-T-G.
Other names: c.3552T>G, p.Ile1184Met (NM_001406801.1, NM_001406805.1, NM_001406822.1 and 10 more transcripts); c.2985T>G, p.Ile995Met (NM_001406803.1); c.3771T>G, p.Ile1257Met (NM_001406804.1); c.3324T>G, p.Ile1108Met (NM_001406806.1, NM_001406807.1, NM_001406799.1); c.3849T>G, p.Ile1283Met (NM_001406808.1, NM_001406809.1, NM_001406796.1); c.2943T>G, p.Ile981Met (NM_001406811.1, NM_001406823.1, NM_001406829.1 and 6 more transcripts); c.3681T>G, p.Ile1227Met (NM_001406826.1); c.630T>G, p.Ile210Met (NM_001406831.1); and 8 more; short protein forms I1108M, I1153M, I1184M, I1225M, I1227M, I1257M, I1283M, I1285M.
Identifiers: ClinVar variation 1803550 (VCV001803550.2), dbSNP rs2104555104, ClinGen allele CA346761307.